The following is an entry in ClinVar:

ClinVar aggregate classification (germline): Uncertain significance. Review status: criteria provided, multiple submitters, no conflicts (2 of 4 stars). 2 submissions from 2 submitters: Uncertain significance (2). Last evaluated 2024-10-21.

Conditions:
Inborn genetic diseases. Identifiers: MedGen C0950123, MeSH D030342.

Allele frequency attached by ClinVar (database versions not stated): gnomAD exomes 0.00006; ESP Exome Variant Server 0.00008; ExAC 0.00009.
gnomAD v4.1: 94 of 1,592,632 alleles (0.0059%); highest among the groups gnomAD compares: Non-Finnish European, 0.0081%; no homozygotes.

Submissions (2):

Labcorp Genetics (formerly Invitae), Labcorp
Classification: Uncertain significance. Last evaluated: 2024-10-21. Review status: criteria provided, single submitter. Criteria: Invitae Variant Classification Sherloc (09022015). Collection method: clinical testing. Allele origin: germline.
Comment: This sequence change falls in intron 3 of the IARS2 gene. It does not directly change the encoded amino acid sequence of the IARS2 protein. It affects a nucleotide within the consensus splice site. This variant is present in population databases (rs374775700, gnomAD 0.01%). This variant has not been reported in the literature in individuals affected with IARS2-related conditions. ClinVar contains an entry for this variant (Variation ID: 2236267). Variants that disrupt the consensus splice site are a relatively common cause of aberrant splicing (PMID: 17576681, 9536098). Algorithms developed to predict the effect of sequence changes on RNA splicing suggest that this variant is not likely to affect RNA splicing. In summary, the available evidence is currently insufficient to determine the role of this variant in disease. Therefore, it has been classified as a Variant of Uncertain Significance.

Ambry Genetics
Classification: Uncertain significance for Inborn genetic diseases. Last evaluated: 2022-04-13. Review status: criteria provided, single submitter. Criteria: Ambry Variant Classification Scheme 2023. Collection method: clinical testing. Allele origin: germline.
Comment: The c.550+6T>A intronic alteration consists of a T to A substitution 6 nucleotides after exon 3 of the IARS2 gene. Based on insufficient or conflicting evidence, the clinical significance of this alteration remains unclear.

Literature cited by the submitters: PubMed 17576681 (cited by Labcorp Genetics (formerly Invitae), Labcorp); PubMed 9536098 (cited by Labcorp Genetics (formerly Invitae), Labcorp).

NM_018060.4(IARS2):c.550+6T>A

Gene: IARS2 (isoleucyl-tRNA synthetase 2, mitochondrial; plus strand). Cytogenetic location: 1q41.
Variant type: single nucleotide variant.
Coding change: c.550+6T>A on transcript NM_018060.4 (MANE Select); 6 bases into the intron after coding-DNA position 550, T replaced by A.
Molecular consequence: intron variant.
Genome position (GRCh38, 1-based): chr1:220,100,655, T>A. VCF-style: chr1-220100655-T-A. GRCh37 (hg19) VCF-style: chr1-220273997-T-A.
Identifiers: ClinVar variation 2236267 (VCV002236267.4), dbSNP rs374775700, ClinGen allele CA1401128.